The following is an entry in ClinVar:

NM_000264.5(PTCH1):c.3084G>C (p.Leu1028=)

Gene: PTCH1 (patched 1; minus strand). Cytogenetic location: 9q22.32.
Variant type: single nucleotide variant.
Coding change: c.3084G>C on transcript NM_000264.5 (MANE Select); coding-DNA position 3084, G replaced by C.
Protein change: p.Leu1028=; no amino-acid change (leucine 1028 retained).
Molecular consequence: synonymous variant. On other transcripts: non-coding transcript variant (1).
Genome position (GRCh38, 1-based): chr9:95,458,097, C>G on the plus strand (G>C on the coding strand, the complement: PTCH1 is on the minus strand). VCF-style: chr9-95458097-C-G. GRCh37 (hg19) VCF-style: chr9-98220379-C-G.
Other names: c.2886G>C, p.Leu962= (NM_001083602.3); c.3081G>C, p.Leu1027= (NM_001083603.3); c.2631G>C, p.Leu877= (NM_001083604.3, NM_001083605.3, NM_001083606.3 and 1 more transcripts); c.2928G>C, p.Leu976= (NM_001354918.2).
Identifiers: ClinVar variation 4085723 (VCV004085723.8).

ClinVar aggregate classification (germline): Likely benign (1 of 4 stars; one submission).

Submission:

CeGaT Center for Human Genetics Tuebingen
Classification: Likely benign. Last evaluated: 2025-08-01. Review status: criteria provided, single submitter. Criteria: CeGaT Center For Human Genetics Tuebingen Variant Classification Criteria Version 2. Collection method: clinical testing. Allele origin: germline. Affected: yes. Observed: 1 variant allele.
Comment: PTCH1: PM2:Supporting, BP4, BP7